The following is an entry in ClinVar:

NM_018136.5(ASPM):c.266T>A (p.Phe89Tyr)

Gene: ASPM (assembly factor for spindle microtubules; minus strand). Cytogenetic location: 1q31.3.
Variant type: single nucleotide variant.
Coding change: c.266T>A on transcript NM_018136.5 (MANE Select); coding-DNA position 266, T replaced by A.
Protein change: p.Phe89Tyr; replaces phenylalanine 89 with tyrosine.
Molecular consequence: missense variant.
Genome position (GRCh38, 1-based): chr1:197,146,172, A>T on the plus strand (T>A on the coding strand, the complement: ASPM is on the minus strand). VCF-style: chr1-197146172-A-T. GRCh37 (hg19) VCF-style: chr1-197115302-A-T.
Other names: c.266T>A (NM_018136.4); c.266T>A, p.Phe89Tyr (NM_001206846.2); short protein forms F89Y.
Identifiers: ClinVar variation 1474739 (VCV001474739.9), dbSNP rs149942873, ClinGen allele CA1310934.

ClinVar aggregate classification (germline): Uncertain significance. Review status: criteria provided, multiple submitters, no conflicts (2 of 4 stars). 2 submissions from 2 submitters: Uncertain significance (2). Last evaluated 2025-09-27.

Conditions:
Inborn genetic diseases. Identifiers: MedGen C0950123, MeSH D030342.

Allele frequency attached by ClinVar (database versions not stated): gnomAD 0.00001; gnomAD exomes 0.00003; TOPMed 0.00003; ExAC 0.00004; ESP Exome Variant Server 0.00015; 1000 Genomes Project 30x 0.00016.
gnomAD v4.1: 40 of 1,614,050 alleles (0.0025%); highest among the groups gnomAD compares: Non-Finnish European, 0.0034%; no homozygotes.

Submissions (2):

Ambry Genetics
Classification: Uncertain significance for Inborn genetic diseases. Last evaluated: 2025-09-27. Review status: criteria provided, single submitter. Criteria: Ambry Variant Classification Scheme 2023. Collection method: clinical testing. Allele origin: germline.

Labcorp Genetics (formerly Invitae), Labcorp
Classification: Uncertain significance. Last evaluated: 2021-07-02. Review status: criteria provided, single submitter. Criteria: Invitae Variant Classification Sherloc (09022015). Collection method: clinical testing. Allele origin: germline.
Comment: Algorithms developed to predict the effect of missense changes on protein structure and function are either unavailable or do not agree on the potential impact of this missense change (SIFT: "Deleterious"; PolyPhen-2: "Possibly Damaging"; Align-GVGD: "Class C0"). This variant has not been reported in the literature in individuals affected with ASPM-related conditions. This variant is present in population databases (rs149942873, ExAC 0.01%). This sequence change replaces phenylalanine with tyrosine at codon 89 of the ASPM protein (p.Phe89Tyr). The phenylalanine residue is moderately conserved and there is a small physicochemical difference between phenylalanine and tyrosine. In summary, the available evidence is currently insufficient to determine the role of this variant in disease. Therefore, it has been classified as a Variant of Uncertain Significance.